The following is an entry in ClinVar:

NM_016138.5(COQ7):c.371C>G (p.Ala124Gly)

Gene: COQ7 (coenzyme Q7, hydroxylase; plus strand). Cytogenetic location: 16p12.3.
Variant type: single nucleotide variant.
Coding change: c.371C>G on transcript NM_016138.5 (MANE Select); coding-DNA position 371, C replaced by G.
Protein change: p.Ala124Gly; replaces alanine 124 with glycine.
Molecular consequence: missense variant. On other transcripts: non-coding transcript variant (3).
Genome position (GRCh38, 1-based): chr16:19,075,724, C>G. VCF-style: chr16-19075724-C-G. GRCh37 (hg19) VCF-style: chr16-19087046-C-G.
Other names: c.257C>G, p.Ala86Gly (NM_001190983.2, NM_001370492.1, NM_001370493.1 and 2 more transcripts); c.329C>G, p.Ala110Gly (NM_001370489.1, NM_001370491.1); c.371C>G, p.Ala124Gly (NM_001370490.1); short protein forms A110G, A86G, A124G.
Identifiers: ClinVar variation 1511837 (VCV001511837.6), dbSNP rs763027324, ClinGen allele CA394922287.

ClinVar aggregate classification (germline): Uncertain significance (1 of 4 stars; one submission).

Submission:

Labcorp Genetics (formerly Invitae), Labcorp
Classification: Uncertain significance. Last evaluated: 2021-10-29. Review status: criteria provided, single submitter. Criteria: Invitae Variant Classification Sherloc (09022015). Collection method: clinical testing. Allele origin: germline.
Comment: In summary, the available evidence is currently insufficient to determine the role of this variant in disease. Therefore, it has been classified as a Variant of Uncertain Significance. Algorithms developed to predict the effect of missense changes on protein structure and function are either unavailable or do not agree on the potential impact of this missense change (SIFT: "Deleterious"; PolyPhen-2: "Possibly Damaging"; Align-GVGD: "Class C0"). This variant has not been reported in the literature in individuals affected with COQ7-related conditions. This variant is not present in population databases (gnomAD no frequency). This sequence change replaces alanine, which is neutral and non-polar, with glycine, which is neutral and non-polar, at codon 124 of the COQ7 protein (p.Ala124Gly).